The following is an entry in ClinVar:

NM_001282531.3(ADNP):c.298G>T (p.Asp100Tyr)

Gene: ADNP (activity dependent neuroprotector homeobox; minus strand). Cytogenetic location: 20q13.13.
Variant type: single nucleotide variant.
Coding change: c.298G>T on transcript NM_001282531.3 (MANE Select); coding-DNA position 298, G replaced by T.
Protein change: p.Asp100Tyr; replaces aspartic acid 100 with tyrosine.
Molecular consequence: missense variant.
Genome position (GRCh38, 1-based): chr20:50,894,416, C>A on the plus strand (G>T on the coding strand, the complement: ADNP is on the minus strand). VCF-style: chr20-50894416-C-A. GRCh37 (hg19) VCF-style: chr20-49510953-C-A.
Other names: c.298G>T, p.Asp100Tyr (NM_001282532.2, NM_001347511.2, NM_015339.5 and 1 more transcripts); short protein forms D100Y.
Identifiers: ClinVar variation 1300678 (VCV001300678.2), dbSNP rs2122764922, ClinGen allele CA408979525.

ClinVar aggregate classification (germline): Uncertain significance (1 of 4 stars; one submission).

Submission:

GeneDx
Classification: Uncertain significance. Last evaluated: 2021-04-07. Review status: criteria provided, single submitter. Criteria: GeneDx Variant Classification Process June 2021. Collection method: clinical testing. Allele origin: germline. Affected: yes.
Comment: Not observed in large population cohorts (Lek et al., 2016); In silico analysis supports that this missense variant has a deleterious effect on protein structure/function; Has not been previously published as pathogenic or benign to our knowledge